The following is an entry in ClinVar:

NM_000069.3(CACNA1S):c.2962C>T (p.Arg988Cys)

Gene: CACNA1S (calcium voltage-gated channel subunit alpha1 S; minus strand). Cytogenetic location: 1q32.1.
Variant type: single nucleotide variant.
Coding change: c.2962C>T on transcript NM_000069.3 (MANE Select); coding-DNA position 2962, C replaced by T.
Protein change: p.Arg988Cys; replaces arginine 988 with cysteine.
Molecular consequence: missense variant.
Genome position (GRCh38, 1-based): chr1:201,062,035, G>A on the plus strand (C>T on the coding strand, the complement: CACNA1S is on the minus strand). VCF-style: chr1-201062035-G-A. GRCh37 (hg19) VCF-style: chr1-201031163-G-A.
Other names: short protein forms R988C.
Identifiers: ClinVar variation 1417898 (VCV001417898.10), dbSNP rs143722841, ClinGen allele CA079450.

ClinVar aggregate classification (germline): Conflicting classifications of pathogenicity. Review status: criteria provided, conflicting classifications (1 of 4 stars). 3 submissions from 3 submitters: Uncertain significance (1); Likely benign (2). Last evaluated 2025-12-06.

Conditions:
Malignant hyperthermia, susceptibility to, 5 (MHS5). Also called: CACNA1S-Related Malignant Hyperthermia Susceptibility. Identifiers: Orphanet 423, MedGen C1866077, MONDO:0011163, OMIM 601887.
Hypokalemic periodic paralysis, type 1. Also called: HypoPP; Hypokalemic Periodic Paralysis Type 1 (AD). Identifiers: Orphanet 681, MedGen C3714580, MONDO:0042979, OMIM 170400.

Allele frequency attached by ClinVar (database versions not stated): TOPMed 0.00003; gnomAD 0.00004; ExAC 0.00008; ESP Exome Variant Server 0.00008; gnomAD exomes 0.00008.
gnomAD v4.1: 35 of 1,614,020 alleles (0.0022%); highest among the groups gnomAD compares: Admixed American, 0.028%; no homozygotes.

Submissions (3):

Labcorp Genetics (formerly Invitae), Labcorp
Classification: Likely benign for Hypokalemic periodic paralysis, type 1; Malignant hyperthermia, susceptibility to, 5. Last evaluated: 2025-12-06. Review status: criteria provided, single submitter. Criteria: Invitae Variant Classification Sherloc (09022015). Collection method: clinical testing. Allele origin: germline.

Color Diagnostics, LLC DBA Color Health
Classification: Uncertain significance for Malignant hyperthermia, susceptibility to, 5. Last evaluated: 2024-06-20. Review status: criteria provided, single submitter. Criteria: ACMG Guidelines, 2015. Collection method: clinical testing. Allele origin: germline.
Comment: This missense variant replaces arginine with cysteine at codon 988 of the CACNA1S protein. Computational prediction suggests that this variant may have deleterious impact on protein structure and function. To our knowledge, functional studies have not been reported for this variant. This variant has not been reported in individuals affected with CACNA1S-related disorders in the literature. This variant has been identified in 21/282426 chromosomes in the general population by the Genome Aggregation Database (gnomAD). The available evidence is insufficient to determine the role of this variant in disease conclusively. Therefore, this variant is classified as a Variant of Uncertain Significance.

Blueprint Genetics
Classification: Likely benign. Last evaluated: 2019-06-12. Review status: criteria provided, single submitter. Criteria: ACMG Guidelines, 2015. Collection method: clinical testing. Allele origin: germline.